The following is an entry in ClinVar:

NM_001110556.2(FLNA):c.6586del (p.His2196fs)

Gene: FLNA (filamin A; minus strand). Cytogenetic location: Xq28.
Variant type: Deletion.
Coding change: c.6586del on transcript NM_001110556.2 (MANE Select); coding-DNA position 6586, one base deleted (C; older notation c.6586delC).
Protein change: p.His2196fs; shifts the reading frame from histidine 2196.
Molecular consequence: frameshift variant.
Genome position (GRCh38, 1-based): chrX:154,352,364, G deleted on the plus strand (C on the coding strand, the reverse complement: FLNA is on the minus strand); the first of 2 consecutive G bases (chrX:154,352,364-154,352,365); deleting either gives the same sequence. VCF-style (leftmost placement, unchanged base first): chrX-154352363-TG-T. GRCh37 (hg19) VCF-style: chrX-153580731-TG-T.
Other names: c.6562del, p.His2188fs (NM_001456.4); short protein forms H2196fs, H2188fs.
Identifiers: ClinVar variation 964600 (VCV000964600.3), dbSNP rs2067626336, ClinGen allele CA1139667857.

ClinVar aggregate classification (germline): Pathogenic (1 of 4 stars; one submission).

Conditions:
Heterotopia, periventricular, X-linked dominant (PVNH1). Also called: PERIVENTRICULAR NODULAR HETEROTOPIA 4; HETEROTOPIA, PERIVENTRICULAR, 1; PERIVENTRICULAR NODULAR HETEROTOPIA 1; X-linked periventricular heterotopia. Identifiers: Orphanet 2149, Orphanet 82004, MedGen C1848213, MONDO:0010233, OMIM 300049.
Oto-palato-digital syndrome, type II (OPD2). Also called: Otopalatodigital Syndrome, Type II; Otopalatodigital Syndrome Type 2 (FLNA-OPD2); FACIOPALATOOSSEOUS SYNDROME; OPD II SYNDROME. Identifiers: Orphanet 669, Orphanet 90652, MedGen C1844696, MONDO:0010571, OMIM 304120.
Melnick-Needles syndrome (MNS). Also called: Melnick-Needles Syndrome (FLNA-MNS); MELNICK-NEEDLES OSTEODYSPLASTY; OSTEODYSPLASTY OF MELNICK AND NEEDLES. Identifiers: Orphanet 2484, MedGen C0025237, MONDO:0010650, OMIM 309350.
Frontometaphyseal dysplasia (FMD1). Identifiers: Orphanet 1826, MedGen C0265293, MONDO:0015942.

Submission:

Labcorp Genetics (formerly Invitae), Labcorp
Classification: Pathogenic for Oto-palato-digital syndrome, type II; Heterotopia, periventricular, X-linked dominant; Frontometaphyseal dysplasia; Melnick-Needles syndrome. Last evaluated: 2019-09-11. Review status: criteria provided, single submitter. Criteria: Invitae Variant Classification Sherloc (09022015). Collection method: clinical testing. Allele origin: germline.
Comment: This sequence change creates a premature translational stop signal (p.His2188Thrfs*19) in the FLNA gene. It is expected to result in an absent or disrupted protein product. This variant is not present in population databases (ExAC no frequency). This variant has not been reported in the literature in individuals with FLNA-related conditions. Loss-of-function variants in FLNA are known to be pathogenic (PMID: 16684786, 20730588, 26471271). For these reasons, this variant has been classified as Pathogenic.

Literature cited by the submitters: PubMed 16684786; PubMed 20730588; PubMed 26471271.